The following is an entry in ClinVar:

ClinVar aggregate classification (germline): Likely benign. Review status: criteria provided, multiple submitters, no conflicts (2 of 4 stars). 2 submissions from 2 submitters: Likely benign (2). Last evaluated 2025-12-09.

Submissions (2):

Women's Health and Genetics/Laboratory Corporation of America, LabCorp
Classification: Likely benign. Last evaluated: 2025-12-09. Review status: criteria provided, single submitter. Criteria: LabCorp Variant Classification Summary - May 2015. Collection method: clinical testing. Allele origin: germline.

CeGaT Center for Human Genetics Tuebingen
Classification: Likely benign. Last evaluated: 2024-09-01. Review status: criteria provided, single submitter. Criteria: CeGaT Center For Human Genetics Tuebingen Variant Classification Criteria Version 2. Collection method: clinical testing. Allele origin: germline. Affected: yes. Observed: 1 variant allele.
Comment: ADNP: BP4, BP7

NM_001282531.3(ADNP):c.2676T>G (p.Pro892=)

Gene: ADNP (activity dependent neuroprotector homeobox; minus strand). Cytogenetic location: 20q13.13.
Variant type: single nucleotide variant.
Coding change: c.2676T>G on transcript NM_001282531.3 (MANE Select); coding-DNA position 2676, T replaced by G.
Protein change: p.Pro892=; no amino-acid change (proline 892 retained).
Molecular consequence: synonymous variant.
Genome position (GRCh38, 1-based): chr20:50,892,038, A>C on the plus strand (T>G on the coding strand, the complement: ADNP is on the minus strand). VCF-style: chr20-50892038-A-C. GRCh37 (hg19) VCF-style: chr20-49508575-A-C.
Other names: c.2676T>G, p.Pro892= (NM_001282532.2, NM_001347511.2, NM_015339.5 and 1 more transcripts).
Identifiers: ClinVar variation 3389289 (VCV003389289.15).